The following is an entry in ClinVar:

NM_000376.3(VDR):c.114T>C (p.Ala38=)

Gene: VDR (vitamin D receptor; minus strand). Cytogenetic location: 12q13.11.
Variant type: single nucleotide variant.
Coding change: c.114T>C on transcript NM_000376.3 (MANE Select); coding-DNA position 114, T replaced by C.
Protein change: p.Ala38=; no amino-acid change (alanine 38 retained).
Molecular consequence: synonymous variant.
Genome position (GRCh38, 1-based): chr12:47,879,000, A>G on the plus strand (T>C on the coding strand, the complement: VDR is on the minus strand). VCF-style: chr12-47879000-A-G. GRCh37 (hg19) VCF-style: chr12-48272783-A-G.
Other names: c.114T>C, p.Ala38= (NM_001017535.2, NM_001364085.2, NM_001374661.1 and 1 more transcripts); c.264T>C, p.Ala88= (NM_001017536.2); c.114T>C (NM_001017535.1).
Identifiers: ClinVar variation 1931609 (VCV001931609.6), dbSNP rs745426083, ClinGen allele CA6534076.

ClinVar aggregate classification (germline): Likely benign. Review status: criteria provided, multiple submitters, no conflicts (2 of 4 stars). 2 submissions from 2 submitters: Likely benign (2). Last evaluated 2025-02-28.

Conditions:
VDR-related disorder. Also called: VDR-related condition.

Allele frequency attached by ClinVar (database versions not stated): ExAC 0.00002; gnomAD 0.00004; TOPMed 0.00004; gnomAD exomes 0.00008.
gnomAD v4.1: 121 of 1,614,096 alleles (0.0075%); highest among the groups gnomAD compares: Non-Finnish European, 0.0092%; no homozygotes.

Submissions (2):

PreventionGenetics, part of Exact Sciences
Classification: Likely benign for VDR-related condition. Last evaluated: 2025-02-28. Review status: criteria provided, single submitter. Criteria: ACMG Guidelines, 2015. Collection method: clinical testing. Allele origin: germline.
Comment: This variant is classified as likely benign based on ACMG/AMP sequence variant interpretation guidelines (Richards et al. 2015 PMID: 25741868, with internal and published modifications).

Labcorp Genetics (formerly Invitae), Labcorp
Classification: Likely benign. Last evaluated: 2024-07-05. Review status: criteria provided, single submitter. Criteria: Invitae Variant Classification Sherloc (09022015). Collection method: clinical testing. Allele origin: germline.